The following is an entry in ClinVar:

NM_144997.7(FLCN):c.1059del (p.Arg353fs)

Gene: FLCN (folliculin; minus strand). Cytogenetic location: 17p11.2.
Variant type: Deletion.
Coding change: c.1059del on transcript NM_144997.7 (MANE Select); coding-DNA position 1059, one base deleted (G; older notation c.1059delG).
Protein change: p.Arg353fs; shifts the reading frame from arginine 353.
Molecular consequence: frameshift variant.
Genome position (GRCh38, 1-based): chr17:17,219,022, C deleted on the plus strand (G on the coding strand, the reverse complement: FLCN is on the minus strand); the first of 2 consecutive C bases (chr17:17,219,022-17,219,023); deleting either gives the same sequence. VCF-style (leftmost placement, unchanged base first): chr17-17219021-GC-G. GRCh37 (hg19) VCF-style: chr17-17122335-GC-G.
Other names: c.1113del, p.Arg371fs (NM_001353229.2); c.1059del, p.Arg353fs (NM_001353230.2, NM_001353231.2); short protein forms R353fs, R371fs.
Identifiers: ClinVar variation 1709804 (VCV001709804.2), dbSNP rs2544192943, ClinGen allele CA2580092610.

ClinVar aggregate classification (germline): Likely pathogenic (1 of 4 stars; one submission).

Conditions:
Birt-Hogg-Dube syndrome. Also called: Birt Hogg Dubé syndrome. Identifiers: Orphanet 122, MedGen C0346010, MONDO:0800444.

Submission:

MGZ Medical Genetics Center
Classification: Likely pathogenic for Birt-Hogg-Dube syndrome 1. Last evaluated: 2021-07-23. Review status: criteria provided, single submitter. Criteria: ACMG Guidelines, 2015. Collection method: clinical testing. Allele origin: germline. Affected: yes. Observed: 1 variant allele.
Comment: ACMG criteria applied: PVS1, PM2_SUP